The following is an entry in ClinVar:

ClinVar aggregate classification (germline): Uncertain significance. Review status: criteria provided, multiple submitters, no conflicts (2 of 4 stars). 2 submissions from 2 submitters: Uncertain significance (2). Last evaluated 2021-10-21.

Conditions:
Cardiovascular phenotype. Identifiers: MedGen CN230736.

Allele frequency attached by ClinVar (database versions not stated): gnomAD exomes 0.00001; ExAC 0.00002.
gnomAD v4.1: 9 of 1,614,158 alleles (0.00056%); highest among the groups gnomAD compares: Middle Eastern, 0.033%; no homozygotes.

Submissions (2):

Ambry Genetics
Classification: Uncertain significance for Cardiovascular phenotype. Last evaluated: 2021-10-21. Review status: criteria provided, single submitter. Criteria: Ambry Variant Classification Scheme 2023. Collection method: clinical testing. Allele origin: germline.
Comment: The p.R1849K variant (also known as c.5546G>A), located in coding exon 14 of the ALPK3 gene, results from a G to A substitution at nucleotide position 5546. The arginine at codon 1849 is replaced by lysine, an amino acid with highly similar properties. This amino acid position is conserved. In addition, this alteration is predicted to be tolerated by in silico analysis. Since supporting evidence is limited at this time, the clinical significance of this alteration remains unclear.

GeneDx
Classification: Uncertain significance. Last evaluated: 2019-06-06. Review status: criteria provided, single submitter. Criteria: GeneDx Variant Classification Process June 2021. Collection method: clinical testing. Allele origin: germline. Affected: yes.

NM_020778.5(ALPK3):c.4940G>A (p.Arg1647Lys)

Gene: ALPK3 (alpha kinase 3; plus strand). Cytogenetic location: 15q25.3.
Variant type: single nucleotide variant.
Coding change: c.4940G>A on transcript NM_020778.5 (MANE Select); coding-DNA position 4940, G replaced by A.
Protein change: p.Arg1647Lys; replaces arginine 1647 with lysine.
Molecular consequence: missense variant.
Genome position (GRCh38, 1-based): chr15:84,868,278, G>A. VCF-style: chr15-84868278-G-A. GRCh37 (hg19) VCF-style: chr15-85411509-G-A.
Other names: short protein forms R1647K.
Identifiers: ClinVar variation 1302105 (VCV001302105.4), dbSNP rs772672818, ClinGen allele CA7710121.